The following is an entry in ClinVar:

ClinVar aggregate classification (germline): Uncertain significance (1 of 4 stars; one submission).

Conditions:
Leigh syndrome (NULS). Also called: Leigh's necrotizing encephalopathy; Leigh's disease; Leigh Syndrome (mtDNA deletion); Leigh Disease; Subacute necrotizing encephalopathy; Necrotizing encephalopathy infantile subacute of Leigh. Identifiers: Orphanet 506, MedGen C2931891, MONDO:0009723, OMIM 256000.

Submission:

Wong Mito Lab, Molecular and Human Genetics, Baylor College of Medicine
Classification: Uncertain significance for Leigh syndrome. Last evaluated: 2019-10-17. Review status: criteria provided, single submitter. Criteria: Modified ACMG Guidelines (Unpublished). Collection method: clinical testing. Allele origin: germline.
Comment: The NC_012920.1:m.12389C>T (YP_003024036.1:p.Pro18Leu) variant in MTND5 gene is interpretated to be a Uncertain Significance variant based on the modified ACMG guidelines (unpublished). This variant meets the following evidence codes: PP6, PP7

NC_012920.1(MT-ND5):m.12389C>T

Gene: MT-ND5 (mitochondrially encoded NADH dehydrogenase 5; plus strand).
Variant type: single nucleotide variant.
Genome position: chrM-12389-C-T.
Identifiers: ClinVar variation 693432 (VCV000693432.1), dbSNP rs1603223710, ClinGen allele CA414812931.
Genomic context (GRCh38, chrMT:12,389, plus strand): 5'-TAAAAGTAATAACCATGCACACTACTATAACCACCCTAACCCTGACTTCCCTAATTCCCC[C>T]CATCCTTACCACCCTCGTTAACCCTAACAAAAAAAACTCATACCCCCATTATGTAAAATC-3'